The following is an entry in ClinVar:

ClinVar aggregate classification (germline): Conflicting classifications of pathogenicity. Review status: criteria provided, conflicting classifications (1 of 4 stars). 2 submissions from 2 submitters: Uncertain significance (1); Benign (1). Last evaluated 2026-06-21.

Conditions:
Cardiovascular phenotype. Identifiers: MedGen CN230736.
Dilated cardiomyopathy 1AA (CMD1AA). Also called: CARDIOMYOPATHY, DILATED, 1AA, WITH OR WITHOUT LEFT VENTRICULAR NONCOMPACTION; CARDIOMYOPATHY, FAMILIAL HYPERTROPHIC, 23, WITH OR WITHOUT LEFT VENTRICULAR NONCOMPACTION; Cardiomyopathy, dilated, 1AA, with or without LVNC. Identifiers: Orphanet 154, MedGen C2677338, MONDO:0012808, OMIM 612158.
Primary familial hypertrophic cardiomyopathy (HCM). Identifiers: Orphanet 99739, MedGen C0949658, MeSH D024741, MONDO:0024573. Inheritance: Various modes of inheritance.

Allele frequency attached by ClinVar (database versions not stated): ExAC 0.00002; gnomAD 0.00001; gnomAD exomes 0.00001; TOPMed 0.00001.
gnomAD v4.1: 15 of 1,614,062 alleles (0.00093%); highest among the groups gnomAD compares: African/African-American, 0.0013%; no homozygotes.

Submissions (2):

Ambry Genetics
Classification: Uncertain significance for Cardiovascular phenotype. Last evaluated: 2026-06-21. Review status: criteria provided, single submitter. Criteria: Ambry Variant Classification Scheme 2023. Collection method: clinical testing. Allele origin: germline.
Comment: The p.Q741R variant (also known as c.2222A>G), located in coding exon 18 of the ACTN2 gene, results from an A to G substitution at nucleotide position 2222. The glutamine at codon 741 is replaced by arginine, an amino acid with highly similar properties. This amino acid position is conserved. In addition, this alteration is predicted to be deleterious by in silico analysis. Based on the available evidence, the clinical significance of this variant remains unclear.

Labcorp Genetics (formerly Invitae), Labcorp
Classification: Benign for Primary familial hypertrophic cardiomyopathy; Dilated cardiomyopathy 1AA. Last evaluated: 2025-04-08. Review status: criteria provided, single submitter. Criteria: Invitae Variant Classification Sherloc (09022015). Collection method: clinical testing. Allele origin: germline.

NM_001103.4(ACTN2):c.2222A>G (p.Gln741Arg)

Gene: ACTN2 (actinin alpha 2; plus strand). Cytogenetic location: 1q43.
Variant type: single nucleotide variant.
Coding change: c.2222A>G on transcript NM_001103.4 (MANE Select); coding-DNA position 2222, A replaced by G.
Protein change: p.Gln741Arg; replaces glutamine 741 with arginine.
Molecular consequence: missense variant.
Genome position (GRCh38, 1-based): chr1:236,757,553, A>G. VCF-style: chr1-236757553-A-G. GRCh37 (hg19) VCF-style: chr1-236920853-A-G.
Other names: c.2222A>G (NM_001103.2); c.2222A>G, p.Gln741Arg (NM_001278343.2); c.1598A>G, p.Gln533Arg (NM_001278344.2); c.1472A>G, p.Gln491Arg (NM_001412150.1); short protein forms Q491R, Q533R, Q741R.
Identifiers: ClinVar variation 1968316 (VCV001968316.6), dbSNP rs746999787, ClinGen allele CA1473379.